The following is an entry in ClinVar:

ClinVar aggregate classification (germline): Uncertain significance. Review status: criteria provided, multiple submitters, no conflicts (2 of 4 stars). 2 submissions from 2 submitters: Uncertain significance (2). Last evaluated 2025-01-05.

Conditions:
Birt-Hogg-Dube syndrome. Also called: Birt Hogg Dubé syndrome. Identifiers: Orphanet 122, MedGen C0346010, MONDO:0800444.
Hereditary cancer-predisposing syndrome. Also called: Hereditary Cancer Syndrome; Tumor predisposition; Neoplastic Syndromes, Hereditary; Hereditary neoplastic syndrome. Identifiers: Orphanet 140162, MedGen C0027672, MeSH D009386, MONDO:0015356.

Allele frequency attached by ClinVar (database versions not stated): gnomAD exomes below 0.00001.
gnomAD v4.1: 1 of 1,614,006 alleles (0.000062%); no homozygotes.

Submissions (2):

Ambry Genetics
Classification: Uncertain significance for Hereditary cancer-predisposing syndrome. Last evaluated: 2025-01-05. Review status: criteria provided, single submitter. Criteria: Ambry Variant Classification Scheme 2023. Collection method: clinical testing. Allele origin: germline.
Comment: The p.G42R variant (also known as c.124G>C), located in coding exon 1 of the FLCN gene, results from a G to C substitution at nucleotide position 124. The glycine at codon 42 is replaced by arginine, an amino acid with dissimilar properties. This amino acid position is not well conserved in available vertebrate species. In addition, the in silico prediction for this alteration is inconclusive. Since supporting evidence is limited at this time, the clinical significance of this alteration remains unclear.

Labcorp Genetics (formerly Invitae), Labcorp
Classification: Uncertain significance for Birt-Hogg-Dube syndrome. Last evaluated: 2024-03-06. Review status: criteria provided, single submitter. Criteria: Invitae Variant Classification Sherloc (09022015). Collection method: clinical testing. Allele origin: germline.
Comment: This sequence change replaces glycine, which is neutral and non-polar, with arginine, which is basic and polar, at codon 42 of the FLCN protein (p.Gly42Arg). This variant is present in population databases (no rsID available, gnomAD 0.004%). This missense change has been observed in individual(s) with hyperparathyroidism (PMID: 36935552). ClinVar contains an entry for this variant (Variation ID: 651581). An algorithm developed to predict the effect of missense changes on protein structure and function (PolyPhen-2) suggests that this variant is likely to be tolerated. Experimental studies are conflicting or provide insufficient evidence to determine the effect of this variant on FLCN function (PMID: 36935552). In summary, the available evidence is currently insufficient to determine the role of this variant in disease. Therefore, it has been classified as a Variant of Uncertain Significance.

Literature cited by the submitters: PubMed 36935552 (cited by Labcorp Genetics (formerly Invitae), Labcorp).

NM_144997.7(FLCN):c.124G>C (p.Gly42Arg)

Gene: FLCN (folliculin; minus strand). Cytogenetic location: 17p11.2.
Variant type: single nucleotide variant.
Coding change: c.124G>C on transcript NM_144997.7 (MANE Select); coding-DNA position 124, G replaced by C.
Protein change: p.Gly42Arg; replaces glycine 42 with arginine.
Molecular consequence: missense variant.
Genome position (GRCh38, 1-based): chr17:17,228,014, C>G on the plus strand (G>C on the coding strand, the complement: FLCN is on the minus strand). VCF-style: chr17-17228014-C-G. GRCh37 (hg19) VCF-style: chr17-17131328-C-G.
Other names: c.124G>C (LRG_325t1); c.124G>C, p.Gly42Arg (NM_001353229.2, NM_001353230.2, NM_001353231.2 and 1 more transcripts); short protein forms G42R.
Identifiers: ClinVar variation 651581 (VCV000651581.11), dbSNP rs1436126248, ClinGen allele CA398535280.